The following is an entry in ClinVar:

ClinVar aggregate classification (germline): Benign. Review status: criteria provided, multiple submitters, no conflicts (2 of 4 stars). 4 submissions from 4 submitters: Benign (4). Last evaluated 2023-11-12.

Conditions:
Combined immunodeficiency due to DOCK8 deficiency (HIES2). Also called: Hyper-IgE recurrent infection syndrome, autosomal recessive; HYPER-IgE SYNDROME 2, AUTOSOMAL RECESSIVE, WITH RECURRENT INFECTIONS; HIES autosomal recessive; HYPER-IgE RECURRENT INFECTION SYNDROME 2, AUTOSOMAL RECESSIVE; DOCK8 Deficiency. Identifiers: Orphanet 217390, MedGen C4722305, MONDO:0009478, OMIM 243700.

Allele frequency attached by ClinVar (database versions not stated): ESP Exome Variant Server 0.56543; gnomAD 0.57971 and 0.58796; TOPMed 0.58117; 1000 Genomes Project 30x 0.61743; 1000 Genomes Project 0.62440; ExAC 0.65620; gnomAD exomes 0.65942 and 0.66182.
gnomAD v4.1: 1,052,901 of 1,607,732 alleles (65%); highest among the groups gnomAD compares: East Asian, 96%; 350,422 homozygotes.

Submissions (4):

Unidad de Genómica Garrahan, Hospital de Pediatría Garrahan
Classification: Benign. Last evaluated: 2023-11-12. Review status: criteria provided, single submitter. Criteria: ACMG Guidelines, 2015. Collection method: clinical testing. Allele origin: germline. Affected: no. Observed: 87 variant alleles.
Comment: This variant is classified as Benign based on local population frequency. This variant was detected in 91% of patients studied by a panel of primary immunodeficiencies. Number of patients: 87. Only high quality variants are reported.

Genome-Nilou Lab
Classification: Benign for Combined immunodeficiency due to DOCK8 deficiency. Last evaluated: 2021-07-14. Review status: criteria provided, single submitter. Criteria: ACMG Guidelines, 2015. Collection method: clinical testing. Allele origin: germline. Affected: no.

GeneDx
Classification: Benign. Last evaluated: 2018-06-26. Review status: criteria provided, single submitter. Criteria: GeneDx Variant Classification Process June 2021. Collection method: clinical testing. Allele origin: germline. Affected: yes.

Breakthrough Genomics
Classification: Benign. Review status: criteria provided, single submitter. Criteria: ACMG Guidelines, 2015. Collection method: not provided. Allele origin: germline. Inheritance: Autosomal recessive inheritance. Affected: yes.

NM_203447.4(DOCK8):c.4241+22T>C

Gene: DOCK8 (dedicator of cytokinesis 8; plus strand). Cytogenetic location: 9p24.3.
Variant type: single nucleotide variant.
Coding change: c.4241+22T>C on transcript NM_203447.4 (MANE Select); 22 bases into the intron after coding-DNA position 4241, T replaced by C.
Molecular consequence: intron variant.
Genome position (GRCh38, 1-based): chr9:422,157, T>C. VCF-style: chr9-422157-T-C. GRCh37 (hg19) VCF-style: chr9-422157-T-C.
Other names: c.4037+22T>C (NM_001193536.2); c.3941+22T>C (NM_001190458.2).
Identifiers: ClinVar variation 1185298 (VCV001185298.7), dbSNP rs10217719, ClinGen allele CA4958989.
Genomic context (GRCh38, chr9:422,157, plus strand): 5'-GCAGACACATTGGCGGCAAGCTAATGAGAAGCTAGATAAGTGAGTCACTCGGCAACTTTC[T>C]GCTACTTTTACCTAAAGTCCAAAACTATTTTTCCCAGGCTGCTTGTATTACTGAAACAAC-3'